The following is an entry in ClinVar:

NM_002485.5(NBN):c.1854_1857del (p.Asn618fs)

Genes: NBN (nibrin; minus strand), LOC126860438 (MED14-independent group 3 enhancer GRCh37_chr8:90959982-90961181; plus strand). Cytogenetic location: 8q21.3.
Variant type: Deletion.
Coding change: c.1854_1857del on transcript NM_002485.5 (MANE Select); coding-DNA positions 1854 to 1857, 4 bases deleted (TGAA; older notation c.1854_1857delTGAA).
Protein change: p.Asn618fs; shifts the reading frame from asparagine 618.
Molecular consequence: frameshift variant.
Genome position (GRCh38, 1-based): chr8:89,947,881-89,947,884, TTCA deleted on the plus strand (TGAA on the coding strand, the reverse complement: NBN is on the minus strand); deleting any 4 consecutive bases within chr8:89,947,881-89,947,886 gives the same sequence; the c. name uses the placement nearest the transcript's 3' end. VCF-style (leftmost placement, unchanged base first): chr8-89947880-TTTCA-T. GRCh37 (hg19) VCF-style: chr8-90960108-TTTCA-T.
Other names: c.1854_1857delTGAA (NM_002485.4); c.1608_1611del, p.Asn536fs (NM_001024688.3); short protein forms N618fs, N536fs.
Identifiers: ClinVar variation 411754 (VCV000411754.13), dbSNP rs1060503466, ClinGen allele CA16612531.

ClinVar aggregate classification (germline): Pathogenic. Review status: criteria provided, multiple submitters, no conflicts (2 of 4 stars). 3 submissions from 3 submitters: Pathogenic (3). Last evaluated 2024-04-29.

Conditions:
Microcephaly, normal intelligence and immunodeficiency (NBS). Also called: IMMUNODEFICIENCY, MICROCEPHALY, AND CHROMOSOMAL INSTABILITY; SEEMANOVA SYNDROME II; Immunodeficiency, microcephaly with normal intelligence; Ataxia telangiectasia variant V1; Nijmegen breakage syndrome; Microcephaly with normal intelligence immunodeficiency and lymphoreticular malignancies. Identifiers: Orphanet 647, MedGen C0398791, MONDO:0009623, OMIM 251260.
Hereditary cancer-predisposing syndrome. Also called: Hereditary neoplastic syndrome; Neoplastic Syndromes, Hereditary; Tumor predisposition; Hereditary Cancer Syndrome. Identifiers: Orphanet 140162, MedGen C0027672, MeSH D009386, MONDO:0015356.

Submissions (3):

Labcorp Genetics (formerly Invitae), Labcorp
Classification: Pathogenic for Microcephaly, normal intelligence and immunodeficiency. Last evaluated: 2024-04-29. Review status: criteria provided, single submitter. Criteria: Invitae Variant Classification Sherloc (09022015). Collection method: clinical testing. Allele origin: germline.
Comment: This sequence change creates a premature translational stop signal (p.Asn618Lysfs*38) in the NBN gene. It is expected to result in an absent or disrupted protein product. Loss-of-function variants in NBN are known to be pathogenic (PMID: 9590180, 16415040). This variant is not present in population databases (gnomAD no frequency). This variant has not been reported in the literature in individuals affected with NBN-related conditions. ClinVar contains an entry for this variant (Variation ID: 411754). Algorithms developed to predict the effect of sequence changes on RNA splicing suggest that this variant may disrupt the consensus splice site. For these reasons, this variant has been classified as Pathogenic.

Genome-Nilou Lab
Classification: Pathogenic for Microcephaly, normal intelligence and immunodeficiency. Last evaluated: 2021-11-07. Review status: criteria provided, single submitter. Criteria: ACMG Guidelines, 2015. Collection method: clinical testing. Allele origin: germline. Affected: no.

Ambry Genetics
Classification: Pathogenic for Hereditary cancer-predisposing syndrome. Last evaluated: 2019-08-20. Review status: criteria provided, single submitter. Criteria: Ambry Variant Classification Scheme 2023. Collection method: clinical testing. Allele origin: germline.
Comment: The c.1854_1857delTGAA pathogenic mutation, located in coding exon 12 of the NBN gene, results from a deletion of 4 nucleotides at nucleotide positions 1854 to 1857, causing a translational frameshift with a predicted alternate stop codon (p.N618Kfs*38). This alteration is expected to result in loss of function by premature protein truncation or nonsense-mediated mRNA decay. As such, this alteration is interpreted as a disease-causing mutation.

Literature cited by the submitters: PubMed 9590180 (cited by Labcorp Genetics (formerly Invitae), Labcorp); PubMed 16415040 (cited by Labcorp Genetics (formerly Invitae), Labcorp).